The following is an entry in ClinVar:

NM_001042492.3(NF1):c.2755G>T (p.Asp919Tyr)

Gene: NF1 (neurofibromin 1; plus strand). Cytogenetic location: 17q11.2.
Variant type: single nucleotide variant.
Coding change: c.2755G>T on transcript NM_001042492.3 (MANE Select); coding-DNA position 2755, G replaced by T.
Protein change: p.Asp919Tyr; replaces aspartic acid 919 with tyrosine.
Molecular consequence: missense variant.
Genome position (GRCh38, 1-based): chr17:31,229,370, G>T. VCF-style: chr17-31229370-G-T. GRCh37 (hg19) VCF-style: chr17-29556388-G-T.
Other names: c.2755G>T, p.Asp919Tyr (NM_000267.4); short protein forms D919Y.
Identifiers: ClinVar variation 1460927 (VCV001460927.8), dbSNP rs1597715708, ClinGen allele CA398985396.

ClinVar aggregate classification (germline): Uncertain significance (1 of 4 stars; one submission).

Conditions:
Neurofibromatosis, type 1 (NF1). Also called: NEUROFIBROMATOSIS, TYPE I, SOMATIC; VON RECKLINGHAUSEN DISEASE; Peripheral type neurofibromatosis; Neurofibromatosis, type I. Identifiers: Orphanet 636, MedGen C0027831, MONDO:0018975, OMIM 162200. Disease mechanism: loss of function.

Submission:

Labcorp Genetics (formerly Invitae), Labcorp
Classification: Uncertain significance for Neurofibromatosis, type 1. Last evaluated: 2021-04-12. Review status: criteria provided, single submitter. Criteria: Invitae Variant Classification Sherloc (09022015). Collection method: clinical testing. Allele origin: germline.
Comment: This variant has not been reported in the literature in individuals with NF1-related conditions. In summary, the available evidence is currently insufficient to determine the role of this variant in disease. Therefore, it has been classified as a Variant of Uncertain Significance. Advanced modeling of protein sequence and biophysical properties (such as structural, functional, and spatial information, amino acid conservation, physicochemical variation, residue mobility, and thermodynamic stability) performed at Invitae indicates that this missense variant is expected to disrupt NF1 protein function. This variant is not present in population databases (ExAC no frequency). This sequence change replaces aspartic acid with tyrosine at codon 919 of the NF1 protein (p.Asp919Tyr). The aspartic acid residue is highly conserved and there is a large physicochemical difference between aspartic acid and tyrosine.